The following is an entry in ClinVar:

ClinVar aggregate classification (germline): Uncertain significance (1 of 4 stars; one submission).

Conditions:
GTP cyclohydrolase I deficiency. Identifiers: MedGen C0268467, MONDO:0100184.
Dystonia 5 (DRD). Also called: DYSTONIA, PROGRESSIVE, WITH DIURNAL VARIATION; DYSTONIA-PARKINSONISM WITH DIURNAL FLUCTUATION; GTP Cyclohydrolase 1-Deficient Dopa-Responsive Dystonia; Dystonia, DOPA-responsive, with or without hyperphenylalaninemia; DYT-GCH1. Identifiers: Orphanet 98808, MedGen C1851920, MONDO:0007495, OMIM 128230.

gnomAD v4.1: 1 of 1,499,034 alleles (0.000067%); highest among the groups gnomAD compares: African/African-American, 0.0015%; no homozygotes.

Submission:

Labcorp Genetics (formerly Invitae), Labcorp
Classification: Uncertain significance for GTP cyclohydrolase I deficiency; Dystonia 5. Last evaluated: 2024-08-24. Review status: criteria provided, single submitter. Criteria: Invitae Variant Classification Sherloc (09022015). Collection method: clinical testing. Allele origin: germline.
Comment: This sequence change replaces glutamic acid, which is acidic and polar, with aspartic acid, which is acidic and polar, at codon 24 of the GCH1 protein (p.Glu24Asp). This variant is not present in population databases (gnomAD no frequency). This variant has not been reported in the literature in individuals affected with GCH1-related conditions. Invitae Evidence Modeling of protein sequence and biophysical properties (such as structural, functional, and spatial information, amino acid conservation, physicochemical variation, residue mobility, and thermodynamic stability) indicates that this missense variant is not expected to disrupt GCH1 protein function with a negative predictive value of 95%. In summary, the available evidence is currently insufficient to determine the role of this variant in disease. Therefore, it has been classified as a Variant of Uncertain Significance.

NM_000161.3(GCH1):c.72G>T (p.Glu24Asp)

Genes: GCH1 (GTP cyclohydrolase 1; minus strand), LOC130055692 (ATAC-STARR-seq lymphoblastoid silent region 5776; plus strand). Cytogenetic location: 14q22.2.
Variant type: single nucleotide variant.
Coding change: c.72G>T on transcript NM_000161.3 (MANE Select); coding-DNA position 72, G replaced by T.
Protein change: p.Glu24Asp; replaces glutamic acid 24 with aspartic acid.
Molecular consequence: missense variant.
Genome position (GRCh38, 1-based): chr14:54,902,592, C>A on the plus strand (G>T on the coding strand, the complement: GCH1 is on the minus strand). VCF-style: chr14-54902592-C-A. GRCh37 (hg19) VCF-style: chr14-55369310-C-A.
Other names: c.72G>T, p.Glu24Asp (NM_001024024.2, NM_001024070.2, NM_001024071.2 and 1 more transcripts); short protein forms E24D.
Identifiers: ClinVar variation 3752135 (VCV003752135.2).
Genomic context (GRCh38, chr14:54,902,592, plus strand): 5'-GGCCTCGGGCCGCGGGGGCTTCTCCGCCGGCCTGCTGGGCCCGGGCCGCGGCGGATCCCG[C>A]TCGGGGAACCCATTGCTGCACCTGGCGCCCCGCGGCTTCTCCGCCGGTGCCCGCACAGGG-3'
Protein context (NP_000152.1, residues 14-34): RGARCSNGFP[Glu24Asp]RDPPRPGPSR